The following is an entry in ClinVar:

NM_194454.3(KRIT1):c.2207C>T (p.Ser736Leu)

Gene: KRIT1 (KRIT1 ankyrin repeat containing; minus strand). Cytogenetic location: 7q21.2.
Variant type: single nucleotide variant.
Coding change: c.2207C>T on transcript NM_194454.3 (MANE Select); coding-DNA position 2207, C replaced by T.
Protein change: p.Ser736Leu; replaces serine 736 with leucine.
Molecular consequence: missense variant.
Genome position (GRCh38, 1-based): chr7:92,200,740, G>A on the plus strand (C>T on the coding strand, the complement: KRIT1 is on the minus strand). VCF-style: chr7-92200740-G-A. GRCh37 (hg19) VCF-style: chr7-91830054-G-A.
Other names: p.Ser736Leu; c.2063C>T, p.Ser688Leu (NM_001013406.2, NM_001350669.1, NM_001350670.1); c.1493C>T, p.Ser498Leu (NM_001350671.1); c.2207C>T, p.Ser736Leu (NM_001350672.1, NM_001350673.1, NM_001350674.1 and 26 more transcripts); short protein forms S498L, S688L, S736L.
Identifiers: ClinVar variation 771272 (VCV000771272.8), dbSNP rs151059782, ClinGen allele CA4338924.

ClinVar aggregate classification (germline): Likely benign. Review status: criteria provided, multiple submitters, no conflicts (2 of 4 stars). 2 submissions from 2 submitters: Likely benign (2). Last evaluated 2025-12-08.

Conditions:
Cerebral cavernous malformation (CCM). Also called: Cerebral cavernous malformations; CAVERNOUS ANGIOMA, FAMILIAL; CAVERNOUS ANGIOMATOUS MALFORMATIONS; CEREBRAL CAPILLARY MALFORMATIONS; Cavernous Hemangioma of Brain; Cerebral cavernous hemangioma (type). Identifiers: Orphanet 221061, MedGen C2919945, MONDO:0000820, OMIM 116860, HP:0033522.

Allele frequency attached by ClinVar (database versions not stated): ExAC 0.00028; 1000 Genomes Project 30x 0.00062; gnomAD 0.00074 and 0.00081; ESP Exome Variant Server 0.00077; 1000 Genomes Project 0.00080; TOPMed 0.00091.
gnomAD v4.1: 244 of 1,593,020 alleles (0.015%); highest among the groups gnomAD compares: African/African-American, 0.27%; no homozygotes.

Submissions (2):

Mayo Clinic Laboratories, Mayo Clinic
Classification: Likely benign. Last evaluated: 2025-12-08. Review status: criteria provided, single submitter. Criteria: ACMG Guidelines, 2015. Collection method: clinical testing. Allele origin: germline. Observed: 3 variant alleles.
Comment: BS1, BP4

Labcorp Genetics (formerly Invitae), Labcorp
Classification: Likely benign for Cerebral cavernous malformation. Last evaluated: 2025-09-20. Review status: criteria provided, single submitter. Criteria: Invitae Variant Classification Sherloc (09022015). Collection method: clinical testing. Allele origin: germline.